The following is an entry in ClinVar:

NM_000540.3(RYR1):c.7305C>G (p.Arg2435=)

Gene: RYR1 (ryanodine receptor 1; plus strand). Cytogenetic location: 19q13.2.
Variant type: single nucleotide variant.
Coding change: c.7305C>G on transcript NM_000540.3 (MANE Select); coding-DNA position 7305, C replaced by G.
Protein change: p.Arg2435=; no amino-acid change (arginine 2435 retained).
Molecular consequence: synonymous variant.
Genome position (GRCh38, 1-based): chr19:38,499,998, C>G. VCF-style: chr19-38499998-C-G. GRCh37 (hg19) VCF-style: chr19-38990638-C-G.
Other names: c.7305C>G, p.Arg2435= (NM_001042723.2).
Identifiers: ClinVar variation 3073096 (VCV003073096.1), dbSNP rs1970033831, ClinGen allele CA507353793.

ClinVar aggregate classification (germline): Uncertain significance (1 of 4 stars; one submission).

Conditions:
Malignant hyperthermia, susceptibility to, 1 (MHS1). Also called: Anesthesia related hyperthermia; Malignant hyperpyrexia; Fulminating hyperpyrexia; Pharmacogenic myopathy; RYR1-Related Malignant Hyperthermia Susceptibility; Malignant hyperthermia suceptibility 1. Identifiers: Orphanet 423, MedGen C2930980, MONDO:0007783, OMIM 145600.

Submission:

All of Us Research Program, National Institutes of Health
Classification: Uncertain significance for Malignant hyperthermia, susceptibility to, 1. Last evaluated: 2023-08-23. Review status: criteria provided, single submitter. Criteria: ACMG Guidelines, 2015. Collection method: clinical testing. Allele origin: germline. Inheritance: Autosomal dominant inheritance. Observed: 1 variant allele, 1 heterozygote.
Comment: This variant is located in the RYR1 protein. To our knowledge, functional studies have not been reported for this variant. This variant has not been reported in individuals affected with RYR1-related disorders in the literature. This variant has not been identified in the general population by the Genome Aggregation Database (gnomAD). The available evidence is insufficient to determine the role of this variant in disease conclusively. Therefore, this variant is classified as a Variant of Uncertain Significance.

This study involves interpretation of variants in research participants for the purpose of population health screening. Participant phenotype was not available at the time of variant classification. Additional details can be found in publication PMID: 35346344, PMCID: PMC8962531